The following is an entry in ClinVar:

ClinVar aggregate classification (germline): Pathogenic. Review status: reviewed by expert panel (3 of 4 stars). 2 submissions from 2 submitters: Pathogenic (1). 1 of the submissions does not count toward it. Last evaluated 2023-12-09.

Conditions:
Hereditary thrombocytopenia and hematologic cancer predisposition syndrome. Identifiers: Orphanet 71290, MedGen CN281654, MONDO:0011071.
Thrombocytopenia. Identifiers: MedGen C0040034, MeSH D013921, MONDO:0002049, HP:0001873.

Submissions (2):

ClinGen Myeloid Malignancy Variant Curation Expert Panel
Classification: Pathogenic for Hereditary thrombocytopenia and hematologic cancer predisposition syndrome. Last evaluated: 2023-12-09. Review status: reviewed by expert panel. Criteria: ClinGen MyeloMalig ACMG Specifications v2. Collection method: curation. Allele origin: germline. Inheritance: Autosomal dominant inheritance.
Comment: NM_001754.5(RUNX1):c.861C>G (p.Tyr287Ter) is a nonsense variant which affects all biologically relevant isoforms. This variant is a nonsense variant between c.98 - c.916, ranking at PVS1 according to the RUNX1 decision tree (PVS1). This variant was found to co-segregate with disease in 3 affected family members (PMID: 11830488, Pedigree 3) (PP1). This variant is completely absent from all population databases with at least 20x coverage for RUNX1 (PM2_supporting). This variant is a nonsense/frameshift variants that is downstream of c.98 (PM5_Supporting). In summary, this variant meets criteria to be classified as pathogenic. ACMG/AMP criteria applied, as specified by the Myeloid Malignancy Variant Curation Expert Panel for RUNX1: PVS1, PP1, PM2_supporting, PM5_supporting.

NIHR Bioresource Rare Diseases, University of Cambridge
Classification: Likely pathogenic for Thrombocytopenia. Last evaluated: 2019-02-01. Review status: criteria provided, single submitter. Criteria: ACMG Guidelines, 2015. Collection method: research. Allele origin: unknown. Affected: yes. Observed: 1 heterozygote. Study: ThromboGenomics. Not counted in ClinVar's aggregate classification.

Literature cited by the submitters: PubMed 31064749 (cited by NIHR Bioresource Rare Diseases, University of Cambridge).

NM_001754.5(RUNX1):c.861C>G (p.Tyr287Ter)

Gene: RUNX1 (RUNX family transcription factor 1; minus strand). Cytogenetic location: 21q22.12.
Variant type: single nucleotide variant.
Coding change: c.861C>G on transcript NM_001754.5 (MANE Select); coding-DNA position 861, C replaced by G.
Protein change: p.Tyr287Ter; replaces tyrosine 287 with a stop codon.
Molecular consequence: nonsense.
Genome position (GRCh38, 1-based): chr21:34,799,407, G>C on the plus strand (C>G on the coding strand, the complement: RUNX1 is on the minus strand). VCF-style: chr21-34799407-G-C. GRCh37 (hg19) VCF-style: chr21-36171704-G-C.
Other names: NM_001754.5(RUNX1):c.861C>G; p.Tyr287Ter; c.780C>G, p.Tyr260Ter (NM_001001890.3); short protein forms Y287*, Y260*.
Identifiers: ClinVar variation 627152 (VCV000627152.3), dbSNP rs121912499, ClinGen allele CA410150112.
Genomic context (GRCh38, chr21:34,799,407, plus strand): 5'-GGCACGTCCAGGTGAAATGGGCGTTGCTGGGTGCACAGAAGGAGAGGCAATGGATCCCAG[G>C]TATTGGTAGGACTGATCGTAGGACCACGGTGGGGATGGTTGGATCTGCCTTGTATCTGAA-3'